The following is an entry in ClinVar:

ClinVar aggregate classification (germline): Pathogenic (1 of 4 stars; one submission).

Conditions:
Glycogen storage disease type III (GSD3). Also called: FORBES DISEASE; Cori disease. Identifiers: Orphanet 366, MedGen C0017922, MONDO:0009291, OMIM 232400.

Submission:

Myriad Genetics, Inc.
Classification: Pathogenic for Glycogen storage disease type III. Last evaluated: 2023-08-29. Review status: criteria provided, single submitter. Criteria: Myriad Autosomal Dominant, Autosomal Recessive and X-Linked Classification Criteria (2023). Collection method: clinical testing. Allele origin: unknown.
Comment: NM_000642.2(AGL):c.1189_1190ins19(V397Dfs*8) is expected to be pathogenic in the context of glycogen storage disease type III. This variant is predicted to lead to an abnormal or absent protein product due to the creation of a premature termination codon in AGL, a gene where loss-of-function variants are known to be pathogenic. Please note: this variant was assessed in the context of healthy population screening.

NM_000642.3(AGL):c.1189_1190insACTGTCTCTTATACACATC (p.Val397fs)

Gene: AGL (amylo-alpha-1,6-glucosidase and 4-alpha-glucanotransferase; plus strand). Cytogenetic location: 1p21.2.
Variant type: Insertion.
Coding change: c.1189_1190insACTGTCTCTTATACACATC on transcript NM_000642.3 (MANE Select); coding-DNA positions 1189 to 1190, ACTGTCTCTTATACACATC inserted.
Protein change: p.Val397fs; shifts the reading frame from valine 397.
Molecular consequence: frameshift variant. On other transcripts: intron variant (1).
Genome position: GRCh38 VCF-style: chr1-99875361-G-GACTGTCTCTTATACACATC. GRCh37 (hg19) VCF-style: chr1-100340917-G-GACTGTCTCTTATACACATC.
Other names: c.1189_1190insACTGTCTCTTATACACATC, p.Val397fs (NM_000028.3, NM_000643.3, NM_000644.3 and 2 more transcripts); c.1141_1142insACTGTCTCTTATACACATC, p.Val381fs (NM_000646.3); c.985_986insACTGTCTCTTATACACATC, p.Val329fs (NM_001425328.1, NM_001425329.1); c.811_812insACTGTCTCTTATACACATC, p.Val271fs (NM_001425332.1); c.1082+551_1082+552insACTGTCTCTTATACACATC (NM_001425327.1); short protein forms V271fs, V329fs, V381fs, V397fs.
Identifiers: ClinVar variation 5011488 (VCV005011488.1).